The following is an entry in ClinVar:

NM_001377540.1(SLMAP):c.2236C>T (p.His746Tyr)

Gene: SLMAP (sarcolemma associated protein; plus strand). Cytogenetic location: 3p14.3.
Variant type: single nucleotide variant.
Coding change: c.2236C>T on transcript NM_001377540.1 (MANE Select); coding-DNA position 2236, C replaced by T.
Protein change: p.His746Tyr; replaces histidine 746 with tyrosine.
Molecular consequence: missense variant. On other transcripts: non-coding transcript variant (1).
Genome position (GRCh38, 1-based): chr3:57,917,003, C>T. VCF-style: chr3-57917003-C-T. GRCh37 (hg19) VCF-style: chr3-57902730-C-T.
Other names: c.2185C>T, p.His729Tyr (NM_001304420.3, NM_001377541.1, NM_001377542.1); c.2071C>T, p.His691Tyr (NM_001304421.2, NM_001377557.1, NM_001377559.1); c.787C>T, p.His263Tyr (NM_001304422.3, NM_001311178.2); c.589C>T, p.His197Tyr (NM_001304423.3); c.664C>T, p.His222Tyr (NM_001311179.2, NM_001377926.1, NM_001377927.1); c.2257C>T, p.His753Tyr (NM_001377538.1); c.2236C>T, p.His746Tyr (NM_001377539.1); c.2173C>T, p.His725Tyr (NM_001377545.1); and 8 more; short protein forms H222Y, H688Y, H691Y, H705Y, H746Y, H197Y, H667Y, H650Y.
Identifiers: ClinVar variation 1786454 (VCV001786454.2), dbSNP rs1302965554, ClinGen allele CA353410116.

ClinVar aggregate classification (germline): Uncertain significance (1 of 4 stars; one submission).

Allele frequency attached by ClinVar (database versions not stated): gnomAD exomes below 0.00001; TOPMed below 0.00001; gnomAD 0.00001.
gnomAD v4.1: 2 of 1,613,782 alleles (0.00012%); highest among the groups gnomAD compares: African/African-American, 0.0027%; no homozygotes.

Submission:

Ambry Genetics
Classification: Uncertain significance. Last evaluated: 2022-02-04. Review status: criteria provided, single submitter. Criteria: Ambry Variant Classification Scheme 2023. Collection method: clinical testing. Allele origin: germline.
Comment: The p.H712Y variant (also known as c.2134C>T), located in coding exon 19 of the SLMAP gene, results from a C to T substitution at nucleotide position 2134. The histidine at codon 712 is replaced by tyrosine, an amino acid with similar properties. This amino acid position is conserved. In addition, the in silico prediction for this alteration is inconclusive. Since supporting evidence is limited at this time, the clinical significance of this alteration remains unclear.